The following is an entry in ClinVar:

NM_013435.3(RAX):c.202G>A (p.Gly68Ser)

Gene: RAX (retina and anterior neural fold homeobox; minus strand). Cytogenetic location: 18q21.32.
Variant type: single nucleotide variant.
Coding change: c.202G>A on transcript NM_013435.3 (MANE Select); coding-DNA position 202, G replaced by A.
Protein change: p.Gly68Ser; replaces glycine 68 with serine.
Molecular consequence: missense variant.
Genome position (GRCh38, 1-based): chr18:59,273,005, C>T on the plus strand (G>A on the coding strand, the complement: RAX is on the minus strand). VCF-style: chr18-59273005-C-T. GRCh37 (hg19) VCF-style: chr18-56940237-C-T.
Other names: short protein forms G68S.
Identifiers: ClinVar variation 1442550 (VCV001442550.7), dbSNP rs763981650, ClinGen allele CA8979420.

ClinVar aggregate classification (germline): Uncertain significance (1 of 4 stars; one submission).

Conditions:
Isolated microphthalmia 3 (MCOPS16). Also called: MICROPHTHALMIA, SYNDROMIC 16. Identifiers: Orphanet 2542, MedGen C5774181, MONDO:0012604, OMIM 611038.

Allele frequency attached by ClinVar (database versions not stated): gnomAD exomes 0.00004; gnomAD 0.00007 and 0.00009.
gnomAD v4.1: 156 of 1,527,330 alleles (0.01%); highest among the groups gnomAD compares: Non-Finnish European, 0.013%; no homozygotes.

Submission:

Labcorp Genetics (formerly Invitae), Labcorp
Classification: Uncertain significance for Isolated microphthalmia 3. Last evaluated: 2020-11-18. Review status: criteria provided, single submitter. Criteria: Invitae Variant Classification Sherloc (09022015). Collection method: clinical testing. Allele origin: germline.
Comment: This variant has not been reported in the literature in individuals with RAX-related conditions. This sequence change replaces glycine with serine at codon 68 of the RAX protein (p.Gly68Ser). The glycine residue is moderately conserved and there is a small physicochemical difference between glycine and serine. The frequency data for this variant in the population databases is considered unreliable, as metrics indicate poor data quality at this position in the ExAC database. Algorithms developed to predict the effect of missense changes on protein structure and function output the following: SIFT: "Tolerated"; PolyPhen-2: "Benign"; Align-GVGD: "Class C0". The serine amino acid residue is found in multiple mammalian species, suggesting that this missense change does not adversely affect protein function. These predictions have not been confirmed by published functional studies and their clinical significance is uncertain. In summary, the available evidence is currently insufficient to determine the role of this variant in disease. Therefore, it has been classified as a Variant of Uncertain Significance.